The following is an entry in ClinVar:

NM_001369.3(DNAH5):c.57_57+1delinsAA

Gene: DNAH5 (dynein axonemal heavy chain 5; minus strand). Cytogenetic location: 5p15.2.
Variant type: Indel.
Coding change: c.57_57+1delinsAA on transcript NM_001369.3 (MANE Select); coding-DNA position 57 through the canonical splice donor site of the intron after coding-DNA position 57, GG replaced by AA.
Molecular consequence: splice donor variant.
Genome position (GRCh38, 1-based): chr5:13,944,381-13,944,382, CC replaced by TT on the plus strand (GG replaced by AA on the coding strand, the reverse complement: DNAH5 is on the minus strand). VCF-style: chr5-13944381-CC-TT. GRCh37 (hg19) VCF-style: chr5-13944490-CC-TT.
Identifiers: ClinVar variation 632452 (VCV000632452.16), dbSNP rs1560984816, ClinGen allele CA913189409.

ClinVar aggregate classification (germline): Conflicting classifications of pathogenicity. Review status: criteria provided, conflicting classifications (1 of 4 stars). 4 submissions from 4 submitters: Likely pathogenic (3); Uncertain significance (1). Last evaluated 2026-01-22.

Conditions:
Primary ciliary dyskinesia. Also called: Ciliary dyskinesia. Identifiers: Orphanet 244, MedGen C0008780, MONDO:0016575, HP:0012265.

Submissions (4):

Labcorp Genetics (formerly Invitae), Labcorp
Classification: Likely pathogenic for Primary ciliary dyskinesia. Last evaluated: 2026-01-22. Review status: criteria provided, single submitter. Criteria: Invitae Variant Classification Sherloc (09022015). Collection method: clinical testing. Allele origin: germline.
Comment: This sequence change affects a splice site in intron 1 of the DNAH5 gene. It is expected to disrupt RNA splicing. Variants that disrupt the donor or acceptor splice site typically lead to a loss of protein function (PMID: 16199547), and loss-of-function variants in DNAH5 are known to be pathogenic (PMID: 11788826, 16627867). Information on the frequency of this variant in the gnomAD database is not available, as this variant may be reported differently in the database. This variant has not been reported in the literature in individuals affected with DNAH5-related conditions. ClinVar contains an entry for this variant (Variation ID: 632452). In summary, the currently available evidence indicates that the variant is pathogenic, but additional data are needed to prove that conclusively. Therefore, this variant has been classified as Likely Pathogenic.

Natera, Inc.
Classification: Likely pathogenic for Primary ciliary dyskinesia. Last evaluated: 2025-11-13. Review status: criteria provided, single submitter. Criteria: Natera Variant Classification Schema (03/2026). Collection method: clinical testing. Allele origin: germline.
Comment: The c.57_57+1delGGinsAA variant in DNAH5 is a canonical splice donor site variant predicted to affect pre-mRNA splicing, which may result in an abnormal transcript and altered protein product. This variant is expected to result in nonsense mediated decay, truncation, or a dysfunctional protein product. This variant is rare in the general population with a frequency below the threshold expected for the associated phenotype(s). Given the available evidence, this variant is classified as Likely Pathogenic.

GeneDx
Classification: Uncertain significance. Last evaluated: 2022-04-01. Review status: criteria provided, single submitter. Criteria: GeneDx Variant Classification Process June 2021. Collection method: clinical testing. Allele origin: germline. Affected: yes.
Comment: Canonical splice site variant expected to result in aberrant splicing, although in the absence of functional evidence the actual effect of this sequence change is unknown.; Has not been previously published as pathogenic or benign to our knowledge

Ambry Genetics
Classification: Likely pathogenic for Primary ciliary dyskinesia. Last evaluated: 2022-03-16. Review status: criteria provided, single submitter. Criteria: Ambry Variant Classification Scheme 2023. Collection method: clinical testing. Allele origin: germline.
Comment: The c.57_57+1delGGinsAA variant results from a deletion of two nucleotides and insertion of two nucleotides at positions c.57 to c.57+1 and involves the canonical splice donor site after coding exon 1 of the DNAH5 gene. The canonical splice donor site is highly conserved in available vertebrate species. Using the BDGP and ESEfinder splice site prediction tools, this alteration is predicted to abolish the native donor splice site; however, direct evidence is unavailable. This variant is considered to be rare based on population cohorts in the Genome Aggregation Database (gnomAD). Alterations that disrupt the canonical splice site are expected to cause aberrant splicing, resulting in an abnormal protein or a transcript that is subject to nonsense-mediated mRNA decay. As such, this alteration is classified as likely pathogenic.

Literature cited by the submitters: PubMed 16199547 (cited by Labcorp Genetics (formerly Invitae), Labcorp); PubMed 11788826 (cited by Labcorp Genetics (formerly Invitae), Labcorp); PubMed 16627867 (cited by Labcorp Genetics (formerly Invitae), Labcorp).